The following is an entry in ClinVar:

ClinVar aggregate classification (germline): Conflicting classifications of pathogenicity. Review status: criteria provided, conflicting classifications (1 of 4 stars). 8 submissions from 8 submitters: Uncertain significance (7); Likely benign (1). Last evaluated 2025-10-16.

Conditions:
Tuberous sclerosis syndrome (TSC). Also called: Tuberous Sclerosis Complex; Tuberous sclerosis. Identifiers: Orphanet 805, MedGen C0041341, MONDO:0001734.
Hereditary cancer-predisposing syndrome. Also called: Tumor predisposition; Hereditary Cancer Syndrome; Neoplastic Syndromes, Hereditary; Hereditary neoplastic syndrome. Identifiers: Orphanet 140162, MedGen C0027672, MeSH D009386, MONDO:0015356.
Isolated focal cortical dysplasia type II (FCORD2). Also called: CORTICAL DYSPLASIA OF TAYLOR; Focal cortical dysplasia type II. Identifiers: Orphanet 268994, MedGen C1846385, MONDO:0011818, OMIM 607341, HP:0032051.
Tuberous sclerosis 1 (TSC1). Identifiers: Orphanet 805, MedGen C1854465, MONDO:0008612, OMIM 191100.

Allele frequency attached by ClinVar (database versions not stated): gnomAD exomes below 0.00001; gnomAD 0.00001; TOPMed 0.00001.
gnomAD v4.1: 8 of 1,614,074 alleles (0.0005%); highest among the groups gnomAD compares: African/African-American, 0.0013%; no homozygotes.

Submissions (8):

Labcorp Genetics (formerly Invitae), Labcorp
Classification: Likely benign for Tuberous sclerosis 1. Last evaluated: 2025-10-16. Review status: criteria provided, single submitter. Criteria: Invitae Variant Classification Sherloc (09022015). Collection method: clinical testing. Allele origin: germline.

Color Diagnostics, LLC DBA Color Health
Classification: Uncertain significance for Tuberous sclerosis syndrome. Last evaluated: 2025-09-11. Review status: criteria provided, single submitter. Criteria: ACMG Guidelines, 2015. Collection method: clinical testing. Allele origin: germline.
Comment: This missense variant replaces serine with leucine at codon 270 of the TSC1 protein. Computational prediction suggests that this variant may have deleterious impact on protein structure and function. To our knowledge, functional studies have not been reported for this variant. This variant has not been reported in individuals affected with TSC1-related disorders in the literature. This variant has not been identified in the general population by the Genome Aggregation Database (gnomAD). The available evidence is insufficient to determine the role of this variant in disease conclusively. Therefore, this variant is classified as a Variant of Uncertain Significance.

CeGaT Center for Human Genetics Tuebingen
Classification: Uncertain significance. Last evaluated: 2025-09-01. Review status: criteria provided, single submitter. Criteria: CeGaT Center For Human Genetics Tuebingen Variant Classification Criteria Version 2. Collection method: clinical testing. Allele origin: germline. Affected: yes. Observed: 2 variant alleles.
Comment: TSC1: PM2, PP2

All of Us Research Program, National Institutes of Health
Classification: Uncertain significance for Tuberous sclerosis syndrome. Last evaluated: 2024-04-10. Review status: criteria provided, single submitter. Criteria: ACMG Guidelines, 2015. Collection method: clinical testing. Allele origin: germline. Inheritance: Autosomal dominant inheritance. Observed: 3 variant alleles, 3 heterozygotes.
Comment: This missense variant replaces serine with leucine at codon 270 of the TSC1 protein. Computational prediction suggests that this variant may have deleterious impact on protein structure and function (internally defined REVEL score threshold >= 0.7, PMID: 27666373). To our knowledge, functional studies have not been reported for this variant. This variant has not been reported in individuals affected with TSC1-related disorders in the literature. This variant has not been identified in the general population by the Genome Aggregation Database (gnomAD). The available evidence is insufficient to determine the role of this variant in disease conclusively. Therefore, this variant is classified as a Variant of Uncertain Significance.

This study involves interpretation of variants in research participants for the purpose of population health screening. Participant phenotype was not available at the time of variant classification. Additional details can be found in publication PMID: 35346344, PMCID: PMC8962531

Ambry Genetics
Classification: Uncertain significance for Hereditary cancer-predisposing syndrome. Last evaluated: 2024-02-01. Review status: criteria provided, single submitter. Criteria: Ambry Variant Classification Scheme 2023. Collection method: clinical testing. Allele origin: germline.
Comment: The p.S270L variant (also known as c.809C>T), located in coding exon 7 of the TSC1 gene, results from a C to T substitution at nucleotide position 809. The serine at codon 270 is replaced by leucine, an amino acid with dissimilar properties. This amino acid position is highly conserved in available vertebrate species. In addition, this alteration is predicted to be deleterious by in silico analysis. Based on the available evidence, the clinical significance of this alteration remains unclear.

Baylor Genetics
Classification: Uncertain significance for Isolated focal cortical dysplasia type II. Last evaluated: 2023-10-11. Review status: criteria provided, single submitter. Criteria: ACMG Guidelines, 2015. Collection method: clinical testing. Allele origin: unknown.

Genome-Nilou Lab
Classification: Uncertain significance for Tuberous sclerosis 1. Last evaluated: 2021-11-07. Review status: criteria provided, single submitter. Criteria: ACMG Guidelines, 2015. Collection method: clinical testing. Allele origin: germline. Affected: no.

Institute for Clinical Genetics, University Hospital TU Dresden, University Hospital TU Dresden
Classification: Uncertain significance. Last evaluated: 2021-11-03. Review status: criteria provided, single submitter. Criteria: ACMG Guidelines, 2015. Collection method: clinical testing. Allele origin: germline.

NM_000368.5(TSC1):c.809C>T (p.Ser270Leu)

Gene: TSC1 (TSC complex subunit 1; minus strand). Cytogenetic location: 9q34.13.
Variant type: single nucleotide variant.
Coding change: c.809C>T on transcript NM_000368.5 (MANE Select); coding-DNA position 809, C replaced by T.
Protein change: p.Ser270Leu; replaces serine 270 with leucine.
Molecular consequence: missense variant.
Genome position (GRCh38, 1-based): chr9:132,912,386, G>A on the plus strand (C>T on the coding strand, the complement: TSC1 is on the minus strand). VCF-style: chr9-132912386-G-A. GRCh37 (hg19) VCF-style: chr9-135787773-G-A.
Other names: c.809C>T, p.Ser270Leu (NM_001162426.2); c.656C>T, p.Ser219Leu (NM_001162427.2); c.446C>T, p.Ser149Leu (NM_001362177.2); short protein forms S270L, S219L, S149L.
Identifiers: ClinVar variation 237726 (VCV000237726.48), dbSNP rs878853968, ClinGen allele CA10582634.